The following is an entry in ClinVar:

NM_032229.3(SLITRK6):c.984C>G (p.Tyr328Ter)

Gene: SLITRK6 (SLIT and NTRK like family member 6; minus strand). Cytogenetic location: 13q31.1.
Variant type: single nucleotide variant.
Coding change: c.984C>G on transcript NM_032229.3 (MANE Select); coding-DNA position 984, C replaced by G.
Protein change: p.Tyr328Ter; replaces tyrosine 328 with a stop codon.
Molecular consequence: nonsense.
Genome position (GRCh38, 1-based): chr13:85,795,525, G>C on the plus strand (C>G on the coding strand, the complement: SLITRK6 is on the minus strand). VCF-style: chr13-85795525-G-C. GRCh37 (hg19) VCF-style: chr13-86369660-G-C.
Other names: short protein forms Y328*.
Identifiers: ClinVar variation 2578707 (VCV002578707.25), dbSNP rs1415999220, ClinGen allele CA388378966.
Genomic context (GRCh38, chr13:85,795,525, plus strand): 5'-CTGACAATGTATTAGAAGTCCTGATGGGGATAGGACTTTGCAGTTACAAGGAATAGGGCA[G>C]TAAGGTCCTGGAAGTTGAGTGGATGGCTTTGTAATATAAGGTATCAAACCTGGTGCTTTG-3'

ClinVar aggregate classification (germline): Likely pathogenic (1 of 4 stars; one submission).

Submission:

CeGaT Center for Human Genetics Tuebingen
Classification: Likely pathogenic. Last evaluated: 2023-10-01. Review status: criteria provided, single submitter. Criteria: CeGaT Center For Human Genetics Tuebingen Variant Classification Criteria Version 2. Collection method: clinical testing. Allele origin: germline. Affected: yes. Observed: 3 variant alleles.
Comment: SLITRK6: PVS1:Strong, PM2